The following is an entry in ClinVar:

ClinVar aggregate classification (germline): Likely benign (1 of 4 stars; one submission).

Conditions:
CFAP410-related disorder. Also called: CFAP410-related condition.

gnomAD v4.1: 17 of 1,548,542 alleles (0.0011%); highest among the groups gnomAD compares: Admixed American, 0.02%; no homozygotes.

Submission:

PreventionGenetics, part of Exact Sciences
Classification: Likely benign for CFAP410-related condition. Last evaluated: 2026-02-14. Review status: criteria provided, single submitter. Criteria: ACMG Guidelines, 2015. Collection method: clinical testing. Allele origin: germline.
Comment: This variant is classified as likely benign based on ACMG/AMP sequence variant interpretation guidelines (Richards et al. 2015 PMID: 25741868, with internal and published modifications).

NM_004928.3(CFAP410):c.642+177G>A

Gene: CFAP410 (cilia and flagella associated protein 410; minus strand). Cytogenetic location: 21q22.3.
Variant type: single nucleotide variant.
Coding change: c.642+177G>A on transcript NM_004928.3 (MANE Select); 177 bases into the intron after coding-DNA position 642, G replaced by A.
Molecular consequence: intron variant. On other transcripts: synonymous variant (1).
Genome position (GRCh38, 1-based): chr21:44,330,646, C>T on the plus strand (G>A on the coding strand, the complement: CFAP410 is on the minus strand). VCF-style: chr21-44330646-C-T. GRCh37 (hg19) VCF-style: chr21-45750529-C-T.
Other names: c.816G>A, p.Ala272= (NM_001271441.2); c.639+177G>A (NM_001271440.2); c.516+177G>A (NM_001271442.1).
Identifiers: ClinVar variation 4988762 (VCV004988762.1).